The following is an entry in ClinVar:

NM_000545.8(HNF1A):c.1583C>T (p.Thr528Ile)

Gene: HNF1A (HNF1 homeobox A; plus strand). Cytogenetic location: 12q24.31.
Variant type: single nucleotide variant.
Coding change: c.1583C>T on transcript NM_000545.8 (MANE Select); coding-DNA position 1583, C replaced by T.
Protein change: p.Thr528Ile; replaces threonine 528 with isoleucine.
Molecular consequence: missense variant.
Genome position (GRCh38, 1-based): chr12:120,999,349, C>T. VCF-style: chr12-120999349-C-T. GRCh37 (hg19) VCF-style: chr12-121437152-C-T.
Other names: c.1583C>T, p.Thr528Ile (NM_001306179.2); short protein forms T528I.
Identifiers: ClinVar variation 972769 (VCV000972769.3), dbSNP rs775608608, ClinGen allele CA6832114.

ClinVar aggregate classification (germline): Uncertain significance/Uncertain risk allele. Review status: criteria provided, multiple submitters, no conflicts (2 of 4 stars). 2 submissions from 2 submitters: Uncertain significance (1); Uncertain risk allele (1). Last evaluated 2020-01-22.

Conditions:
Maturity-onset diabetes of the young (MODY). Also called: Maturity onset diabetes mellitus in young. Identifiers: Orphanet 552, MedGen C0342276, MONDO:0018911, HP:0004904.
Maturity-onset diabetes of the young type 3. Also called: MODY type 3; MODY, type III. Identifiers: Orphanet 552, MedGen C1838100, MeSH C563933, MONDO:0010894, OMIM 600496. Disease mechanism: loss of function.

Allele frequency attached by ClinVar (database versions not stated): gnomAD exomes below 0.00001 and 0.00001; ExAC 0.00001; gnomAD 0.00001; TOPMed 0.00001.
gnomAD v4.1: 9 of 1,613,990 alleles (0.00056%); highest among the groups gnomAD compares: Non-Finnish European, 0.00076%; no homozygotes.

Submissions (2):

Broad Center for Mendelian Genomics, Broad Institute of MIT and Harvard
Classification: Uncertain significance for Maturity-onset diabetes of the young type 3. Last evaluated: 2020-01-22. Review status: criteria provided, single submitter. Criteria: ACMG Guidelines, 2015. Collection method: curation. Allele origin: germline. Inheritance: Autosomal dominant inheritance.
Comment: The p.Thr528Ile variant in HNF1A has been reported in 1 individual with MODY (PMID: 169178920), and has been identified in 0.002% (2/128978) of European (non-Finnish) chromosomes by the Genome Aggregation Database (gnomAD; dbSNP rs775608608). Please note that for diseases with clinical variability, or reduced penetrance, pathogenic variants may be present at a low frequency in the general population. Computational prediction tools and conservation analyses do not provide strong support for or against an impact to the protein. In summary, while there is some suspicion for a pathogenic role, the clinical significance of this variant is uncertain. ACMG/AMP Criteria applied: PM2 (Richards 2015).

Clinical Genomics, Uppaluri K&H Personalized Medicine Clinic
Classification: Uncertain risk allele for Maturity-onset diabetes of the young. Review status: criteria provided, single submitter. Criteria: K & H Uppaluri Personalized Medicine Clinic Variant Classification & Assertion Criteria_Updated V.1. Collection method: research. Allele origin: unknown. Inheritance: Autosomal dominant inheritance.
Comment: Mutations in HNF1A gene can predispose to MODY3. It is associated with both micro and macrovascular complications of diabetes, especially cardiovascular complications. Associated with glucosuria. May respond well to sulfonylureas. However, more evidence is required to confer the association of this particular variant rs775608608 with MODY3.

Literature cited by the submitters: PubMed 31517624 (cited by Clinical Genomics, Uppaluri K&H Personalized Medicine Clinic); PubMed 32395877 (cited by Clinical Genomics, Uppaluri K&H Personalized Medicine Clinic); PubMed 35328643 (cited by Clinical Genomics, Uppaluri K&H Personalized Medicine Clinic); PubMed 35673428 (cited by Clinical Genomics, Uppaluri K&H Personalized Medicine Clinic).